The following is an entry in ClinVar:

ClinVar aggregate classification (germline): Likely pathogenic (1 of 4 stars; one submission).

Conditions:
Autoimmune enteropathy and endocrinopathy - susceptibility to chronic infections syndrome. Also called: Immunodeficiency 31C, autosomal dominant; Immunodeficiency 31C. Identifiers: Orphanet 391487, MedGen C3279990, MONDO:0013599, OMIM 614162.

Submission:

3billion
Classification: Likely pathogenic for Autoimmune enteropathy and endocrinopathy - susceptibility to chronic infections syndrome. Last evaluated: 2025-04-09. Review status: criteria provided, single submitter. Criteria: ACMG Guidelines, 2015. Collection method: clinical testing. Allele origin: germline. Affected: yes.
Comment: The variant is not observed in the gnomAD v4.1.0 dataset.Predicted Consequence/Location: Missense variant. Missense changes are a common disease-causing mechanism. In silico tool predictions suggest damaging effect of the variant on gene or gene product [REVEL: 0.53 (>=0.6, sensitivity 0.68 and specificity 0.92); 3Cnet: 1.00 (> 0.75, sensitivity 0.96 and precision 0.92)]. Different missense changes at the same codon (p.Lys388Arg, p.Lys388Gln, p.Lys388Glu) have been reported as pathogenic/likely pathogenic with strong evidence (ClinVar ID: VCV000578600, VCV002203238 / PMID: 25042743, 27577878).Therefore, this variant is classified as Likely pathogenic according to the recommendation of ACMG/AMP guideline.

Literature cited by the submitters: PubMed 25042743.

NM_007315.4(STAT1):c.1164A>C (p.Lys388Asn)

Gene: STAT1 (signal transducer and activator of transcription 1; minus strand). Cytogenetic location: 2q32.2.
Variant type: single nucleotide variant.
Coding change: c.1164A>C on transcript NM_007315.4 (MANE Select); coding-DNA position 1164, A replaced by C.
Protein change: p.Lys388Asn; replaces lysine 388 with asparagine.
Molecular consequence: missense variant.
Genome position (GRCh38, 1-based): chr2:190,986,911, T>G on the plus strand (A>C on the coding strand, the complement: STAT1 is on the minus strand). VCF-style: chr2-190986911-T-G. GRCh37 (hg19) VCF-style: chr2-191851637-T-G.
Other names: c.1104A>C, p.Lys368Asn (NM_001384880.1); c.1170A>C, p.Lys390Asn (NM_001384881.1, NM_001384884.1); c.1158A>C, p.Lys386Asn (NM_001384882.1); c.1065A>C, p.Lys355Asn (NM_001384883.1); c.1005A>C, p.Lys335Asn (NM_001384885.1); c.1164A>C, p.Lys388Asn (NM_001384886.1, NM_001384889.1, NM_001437284.1 and 1 more transcripts); c.1071A>C, p.Lys357Asn (NM_001384887.1); c.1134A>C, p.Lys378Asn (NM_001384888.1); and 2 more; short protein forms K335N, K355N, K357N, K358N, K368N, K378N, K386N, K388N.
Identifiers: ClinVar variation 4292085 (VCV004292085.1).